The following is an entry in ClinVar:

NM_001330260.2(SCN8A):c.21A>C (p.Ala7=)

Genes: SCN8A (sodium voltage-gated channel alpha subunit 8; plus strand), LOC114803470 (SCN8A eExon liver enhancer; plus strand). Cytogenetic location: 12q13.13.
Variant type: single nucleotide variant.
Coding change: c.21A>C on transcript NM_001330260.2 (MANE Select); coding-DNA position 21, A replaced by C.
Protein change: p.Ala7=; no amino-acid change (alanine 7 retained).
Molecular consequence: synonymous variant.
Genome position (GRCh38, 1-based): chr12:51,662,838, A>C. VCF-style: chr12-51662838-A-C. GRCh37 (hg19) VCF-style: chr12-52056622-A-C.
Other names: c.21A>C, p.Ala7= (NM_001177984.3, NM_001369788.1, NM_014191.4).
Identifiers: ClinVar variation 1317384 (VCV001317384.2), dbSNP rs2138670894, ClinGen allele CA480096279.

ClinVar aggregate classification (germline): Uncertain significance (1 of 4 stars; one submission).

Submission:

GeneDx
Classification: Uncertain significance. Last evaluated: 2020-10-21. Review status: criteria provided, single submitter. Criteria: GeneDx Variant Classification Process June 2021. Collection method: clinical testing. Allele origin: germline. Affected: yes.
Comment: Not observed in large population cohorts (Lek et al., 2016); In silico analysis supports that this variant does not alter splicing; Has not been previously published as pathogenic or benign to our knowledge